The following is an entry in ClinVar:

ClinVar aggregate classification (germline): Uncertain significance. Review status: criteria provided, multiple submitters, no conflicts (2 of 4 stars). 2 submissions from 2 submitters: Uncertain significance (2). Last evaluated 2025-12-24.

gnomAD v4.1: 43 of 1,614,020 alleles (0.0027%); highest among the groups gnomAD compares: Middle Eastern, 0.016%; 1 homozygote.

Submissions (2):

Labcorp Genetics (formerly Invitae), Labcorp
Classification: Uncertain significance. Last evaluated: 2025-12-24. Review status: criteria provided, single submitter. Criteria: Invitae Variant Classification Sherloc (09022015). Collection method: clinical testing. Allele origin: germline.
Comment: This sequence change replaces asparagine, which is neutral and polar, with histidine, which is basic and polar, at codon 625 of the LRRC8A protein (p.Asn625His). This variant is present in population databases (rs756207612, gnomAD 0.0009%). This variant has not been reported in the literature in individuals affected with LRRC8A-related conditions. ClinVar contains an entry for this variant (Variation ID: 3606368). An algorithm developed to predict the effect of missense changes on protein structure and function (PolyPhen-2) suggests that this variant is likely to be disruptive. In summary, the available evidence is currently insufficient to determine the role of this variant in disease. Therefore, it has been classified as a Variant of Uncertain Significance.

Ambry Genetics
Classification: Uncertain significance. Last evaluated: 2025-04-20. Review status: criteria provided, single submitter. Criteria: Ambry Variant Classification Scheme 2023. Collection method: clinical testing. Allele origin: germline.

NM_019594.4(LRRC8A):c.1873A>C (p.Asn625His)

Gene: LRRC8A (leucine rich repeat containing 8 VRAC subunit A; plus strand). Cytogenetic location: 9q34.11.
Variant type: single nucleotide variant.
Coding change: c.1873A>C on transcript NM_019594.4 (MANE Select); coding-DNA position 1873, A replaced by C.
Protein change: p.Asn625His; replaces asparagine 625 with histidine.
Molecular consequence: missense variant.
Genome position (GRCh38, 1-based): chr9:128,909,037, A>C. VCF-style: chr9-128909037-A-C. GRCh37 (hg19) VCF-style: chr9-131671316-A-C.
Other names: c.1873A>C (NM_001127244.1); c.1873A>C, p.Asn625His (NM_001127244.2, NM_001127245.2); short protein forms N625H.
Identifiers: ClinVar variation 3606368 (VCV003606368.3).